The following is an entry in ClinVar:

ClinVar aggregate classification (germline): Uncertain significance. Review status: criteria provided, multiple submitters, no conflicts (2 of 4 stars). 2 submissions from 2 submitters: Uncertain significance (2). Last evaluated 2024-12-03.

Conditions:
Inborn genetic diseases. Identifiers: MedGen C0950123, MeSH D030342.

gnomAD v4.1: 1 of 1,572,972 alleles (0.000064%); highest among the groups gnomAD compares: Non-Finnish European, 0.000086%; no homozygotes.

Submissions (2):

Ambry Genetics
Classification: Uncertain significance for Inborn genetic diseases. Last evaluated: 2024-12-03. Review status: criteria provided, single submitter. Criteria: Ambry Variant Classification Scheme 2023. Collection method: clinical testing. Allele origin: germline.

Labcorp Genetics (formerly Invitae), Labcorp
Classification: Uncertain significance. Last evaluated: 2024-03-10. Review status: criteria provided, single submitter. Criteria: Invitae Variant Classification Sherloc (09022015). Collection method: clinical testing. Allele origin: germline.
Comment: This sequence change replaces arginine, which is basic and polar, with threonine, which is neutral and polar, at codon 1485 of the SETBP1 protein (p.Arg1485Thr). This variant is not present in population databases (gnomAD no frequency). This variant has not been reported in the literature in individuals affected with SETBP1-related conditions. Advanced modeling of protein sequence and biophysical properties (such as structural, functional, and spatial information, amino acid conservation, physicochemical variation, residue mobility, and thermodynamic stability) has been performed at Invitae for this missense variant, however the output from this modeling did not meet the statistical confidence thresholds required to predict the impact of this variant on SETBP1 protein function. In summary, the available evidence is currently insufficient to determine the role of this variant in disease. Therefore, it has been classified as a Variant of Uncertain Significance.

NM_015559.3(SETBP1):c.4454G>C (p.Arg1485Thr)

Gene: SETBP1 (SET binding protein 1; plus strand). Cytogenetic location: 18q12.3.
Variant type: single nucleotide variant.
Coding change: c.4454G>C on transcript NM_015559.3 (MANE Select); coding-DNA position 4454, G replaced by C.
Protein change: p.Arg1485Thr; replaces arginine 1485 with threonine.
Molecular consequence: missense variant.
Genome position (GRCh38, 1-based): chr18:45,063,361, G>C. VCF-style: chr18-45063361-G-C. GRCh37 (hg19) VCF-style: chr18-42643326-G-C.
Other names: c.4454G>C, p.Arg1485Thr (NM_001379141.1, NM_001379142.1); c.4283G>C, p.Arg1428Thr (NM_001410862.1); short protein forms R1428T, R1485T.
Identifiers: ClinVar variation 3440130 (VCV003440130.3).